The following is an entry in ClinVar:

ClinVar aggregate classification (germline): Conflicting classifications of pathogenicity. Review status: criteria provided, conflicting classifications (1 of 4 stars). 24 submissions from 20 submitters: Uncertain significance (3); Benign (10); Likely benign (5). 6 of the submissions do not count toward it. Last evaluated 2026-09-01.

Conditions:
Dilated cardiomyopathy 1G (CMD1G). Identifiers: Orphanet 154, MedGen C1858763, MONDO:0011400, OMIM 604145.
Autosomal recessive limb-girdle muscular dystrophy type 2J (LGMDR10). Also called: MUSCULAR DYSTROPHY, LIMB-GIRDLE, AUTOSOMAL RECESSIVE 10; Limb-girdle muscular dystrophy, type 2J. Identifiers: Orphanet 140922, MedGen C1837342, MONDO:0012127, OMIM 608807.
Cardiovascular phenotype. Identifiers: MedGen CN230736.
Cardiomyopathy (CMYO). Also called: Cardiomyopathies. Identifiers: Orphanet 167848, MedGen C0878544, MONDO:0004994, HP:0001638. Inheritance: Various modes of inheritance.
Early-onset myopathy with fatal cardiomyopathy (CMYO5). Also called: CONGENITAL MYOPATHY 5 WITH CARDIOMYOPATHY; Salih Myopathy. Identifiers: Orphanet 289377, MedGen C2673677, MONDO:0012714, OMIM 611705. Disease mechanism: loss of function.
Myopathy, myofibrillar, 9, with early respiratory failure (MFM9). Also called: Myopathy, distal, with early respiratory failure, autosomal dominant; Hereditary myopathy with early respiratory failure; MYOPATHY, PROXIMAL, WITH EARLY RESPIRATORY MUSCLE INVOLVEMENT; EDSTROM MYOPATHY. Identifiers: Orphanet 178464, Orphanet 34521, MedGen C1863599, MONDO:0011362, OMIM 603689.
Tibial muscular dystrophy (TMD). Also called: Udd Distal Myopathy – Tibial Muscular Dystrophy; Tibial muscular dystrophy, tardive; UDD MYOPATHY. Identifiers: Orphanet 609, MedGen C1838244, MONDO:0010870, OMIM 600334.

Allele frequency attached by ClinVar (database versions not stated): gnomAD exomes 0.00304 and 0.00234; 1000 Genomes Project 30x 0.00094; 1000 Genomes Project 0.00100; TOPMed 0.00167; ESP Exome Variant Server 0.00209; gnomAD 0.00222 and 0.00228; ExAC 0.00236.
gnomAD v4.1: 4,708 of 1,613,518 alleles (0.29%); highest among the groups gnomAD compares: Non-Finnish European, 0.35%; 12 homozygotes.

Submissions (24):

CeGaT Center for Human Genetics Tuebingen
Classification: Likely benign. Last evaluated: 2026-09-01. Review status: criteria provided, single submitter. Criteria: CeGaT Center For Human Genetics Tuebingen Variant Classification Criteria Version 2. Collection method: clinical testing. Allele origin: germline. Affected: yes. Observed: 58 variant alleles.
Comment: TTN: BP4, BP7

Labcorp Genetics (formerly Invitae), Labcorp
Classification: Benign for Dilated cardiomyopathy 1G; Autosomal recessive limb-girdle muscular dystrophy type 2J. Last evaluated: 2026-02-03. Review status: criteria provided, single submitter. Criteria: Invitae Variant Classification Sherloc (09022015). Collection method: clinical testing. Allele origin: germline.

Mayo Clinic Laboratories, Mayo Clinic
Classification: Benign. Last evaluated: 2025-03-03. Review status: criteria provided, single submitter. Criteria: ACMG Guidelines, 2015. Collection method: clinical testing. Allele origin: germline. Observed: 6 variant alleles.
Comment: BS1, BS2, BP4, BP7

Blueprint Genetics
Classification: Likely benign. Last evaluated: 2024-11-25. Review status: criteria provided, single submitter. Criteria: ACMG Guidelines, 2015. Collection method: clinical testing. Allele origin: germline.

ARUP Laboratories, Molecular Genetics and Genomics, ARUP Laboratories
Classification: Benign. Last evaluated: 2023-10-26. Review status: criteria provided, single submitter. Criteria: ARUP Molecular Germline Variant Investigation Process 2024. Collection method: clinical testing. Allele origin: germline.

Women's Health and Genetics/Laboratory Corporation of America, LabCorp
Classification: Benign. Last evaluated: 2019-09-14. Review status: criteria provided, single submitter. Criteria: LabCorp Variant Classification Summary - May 2015. Collection method: clinical testing. Allele origin: germline.

CHEO Genetics Diagnostic Laboratory, Children's Hospital of Eastern Ontario
Classification: Benign for Cardiomyopathy. Last evaluated: 2019-04-23. Review status: criteria provided, single submitter. Criteria: ACMG Guidelines, 2015. Collection method: clinical testing. Allele origin: germline.

Illumina Laboratory Services, Illumina
Classification: Uncertain significance for Autosomal recessive limb-girdle muscular dystrophy type 2J. Last evaluated: 2018-01-12. Review status: criteria provided, single submitter. Criteria: ICSL Variant Classification Criteria 13 December 2019. Collection method: clinical testing. Allele origin: germline.

Illumina Laboratory Services, Illumina
Classification: Benign for Myopathy, myofibrillar, 9, with early respiratory failure. Last evaluated: 2018-01-12. Review status: criteria provided, single submitter. Criteria: ICSL Variant Classification Criteria 13 December 2019. Collection method: clinical testing. Allele origin: germline.
Comment: This variant was observed in the ICSL laboratory as part of a predisposition screen in an ostensibly healthy population. It had not been previously curated by ICSL or reported in the Human Gene Mutation Database (HGMD: prior to June 1st, 2018), and was therefore a candidate for classification through an automated scoring system. Utilizing variant allele frequency, disease prevalence and penetrance estimates, and inheritance mode, an automated score was calculated to assess if this variant is too frequent to cause the disease. Based on the score and internal cut-off values, a variant classified as benign is not then subjected to further curation. The score for this variant resulted in a classification of benign for this disease.

Illumina Laboratory Services, Illumina
Classification: Benign for Tibial muscular dystrophy. Last evaluated: 2018-01-12. Review status: criteria provided, single submitter. Criteria: ICSL Variant Classification Criteria 13 December 2019. Collection method: clinical testing. Allele origin: germline.
Comment: the same text as in the submission from Illumina Laboratory Services, Illumina above.

Illumina Laboratory Services, Illumina
Classification: Uncertain significance for Early-onset myopathy with fatal cardiomyopathy. Last evaluated: 2018-01-12. Review status: criteria provided, single submitter. Criteria: ICSL Variant Classification Criteria 13 December 2019. Collection method: clinical testing. Allele origin: germline.

Illumina Laboratory Services, Illumina
Classification: Uncertain significance for Dilated cardiomyopathy 1G. Last evaluated: 2018-01-12. Review status: criteria provided, single submitter. Criteria: ICSL Variant Classification Criteria 13 December 2019. Collection method: clinical testing. Allele origin: germline.

Athena Diagnostics
Classification: Benign. Last evaluated: 2017-05-04. Review status: criteria provided, single submitter. Criteria: Athena Diagnostics Criteria. Collection method: clinical testing. Allele origin: germline.

Genetic Services Laboratory, University of Chicago
Classification: Likely benign. Last evaluated: 2016-12-23. Review status: criteria provided, single submitter. Criteria: ACMG Guidelines, 2015. Collection method: clinical testing. Allele origin: germline. Affected: no.

Eurofins Ntd Llc (ga)
Classification: Likely benign. Last evaluated: 2015-08-18. Review status: criteria provided, single submitter. Criteria: EGL Classification Definitions 2015. Collection method: clinical testing. Allele origin: germline. Observed: 1 variant allele, 1 heterozygote.

Ambry Genetics
Classification: Likely benign for Cardiovascular phenotype. Last evaluated: 2013-09-12. Review status: criteria provided, single submitter. Criteria: Ambry Autosomal Dominant and X-Linked criteria (10/2015). Collection method: clinical testing. Allele origin: germline. Observed: 1 variant allele.

GeneDx
Classification: Benign. Last evaluated: 2013-01-30. Review status: criteria provided, single submitter. Criteria: GeneDx Variant Classification (06012015). Collection method: clinical testing. Allele origin: germline. Affected: yes.
Comment: This variant is considered likely benign or benign based on one or more of the following criteria: it is a conservative change, it occurs at a poorly conserved position in the protein, it is predicted to be benign by multiple in silico algorithms, and/or has population frequency not consistent with disease.

Laboratory for Molecular Medicine, Mass General Brigham Personalized Medicine
Classification: Benign. Last evaluated: 2012-01-25. Review status: criteria provided, single submitter. Criteria: LMM Criteria. Collection method: clinical testing. Allele origin: germline. Observed: 13 variant alleles.

Clinical Genetics DNA and cytogenetics Diagnostics Lab, Erasmus MC, Erasmus Medical Center
Classification: Likely benign. Review status: no assertion criteria provided. Collection method: clinical testing. Allele origin: germline. Affected: yes. Study: VKGL Data-share Consensus. Not counted in ClinVar's aggregate classification.

Clinical Genetics, Academic Medical Center
Classification: Benign. Review status: no assertion criteria provided. Collection method: clinical testing. Allele origin: germline. Affected: yes. Study: VKGL Data-share Consensus. Not counted in ClinVar's aggregate classification.

Diagnostic Laboratory, Department of Genetics, University Medical Center Groningen
Classification: Likely benign. Review status: no assertion criteria provided. Collection method: clinical testing. Allele origin: germline. Affected: yes. Study: VKGL Data-share Consensus. Not counted in ClinVar's aggregate classification.

Genome Diagnostics Laboratory, University Medical Center Utrecht
Classification: Benign. Review status: no assertion criteria provided. Collection method: clinical testing. Allele origin: germline. Affected: yes. Study: VKGL Data-share Consensus. Not counted in ClinVar's aggregate classification.

Joint Genome Diagnostic Labs from Nijmegen and Maastricht, Radboudumc and MUMC+
Classification: Benign. Review status: no assertion criteria provided. Collection method: clinical testing. Allele origin: germline. Affected: yes. Study: VKGL Data-share Consensus. Not counted in ClinVar's aggregate classification.

Laboratory of Diagnostic Genome Analysis, Leiden University Medical Center (LUMC)
Classification: Likely benign. Review status: no assertion criteria provided. Collection method: clinical testing. Allele origin: germline. Affected: yes. Study: VKGL Data-share Consensus. Not counted in ClinVar's aggregate classification.

NM_001267550.2(TTN):c.70815G>A (p.Val23605=)

Genes: TTN (titin; minus strand), TTN-AS1 (TTN antisense RNA 1; plus strand). Cytogenetic location: 2q31.2.
Variant type: single nucleotide variant.
Coding change: c.70815G>A on transcript NM_001267550.2 (MANE Select); coding-DNA position 70815, G replaced by A.
Protein change: p.Val23605=; no amino-acid change (valine 23605 retained).
Molecular consequence: synonymous variant.
Genome position (GRCh38, 1-based): chr2:178,575,317, C>T on the plus strand (G>A on the coding strand, the complement: TTN is on the minus strand). VCF-style: chr2-178575317-C-T. GRCh37 (hg19) VCF-style: chr2-179440044-C-T.
Other names: p.V21037V:GTG>GTA; p.Val21037=; c.65892G>A, p.Val21964= (NM_001256850.1); c.43620G>A, p.Val14540= (NM_003319.4); c.63111G>A, p.Val21037= (NM_133378.4); c.43995G>A, p.Val14665= (NM_133432.3); c.44196G>A, p.Val14732= (NM_133437.4).
Identifiers: ClinVar variation 47292 (VCV000047292.83), dbSNP rs55847238, ClinGen allele CA283692.